The following is an entry in ClinVar:

ClinVar aggregate classification (germline): Uncertain significance (1 of 4 stars; one submission).

Allele frequency attached by ClinVar (database versions not stated): gnomAD 0.00001; ExAC 0.00003; gnomAD exomes 0.00003; TOPMed 0.00003.
gnomAD v4.1: 8 of 1,582,110 alleles (0.00051%); highest among the groups gnomAD compares: Admixed American, 0.014%; no homozygotes.

Submission:

Labcorp Genetics (formerly Invitae), Labcorp
Classification: Uncertain significance. Last evaluated: 2021-06-25. Review status: criteria provided, single submitter. Criteria: Invitae Variant Classification Sherloc (09022015). Collection method: clinical testing. Allele origin: germline.
Comment: This sequence change replaces glutamic acid with glutamine at codon 292 of the MAP3K20 protein (p.Glu292Gln). The glutamic acid residue is highly conserved and there is a small physicochemical difference between glutamic acid and glutamine. This variant is present in population databases (rs772182075, ExAC 0.03%). This variant has not been reported in the literature in individuals affected with MAP3K20-related conditions. Experimental studies and prediction algorithms are not available or were not evaluated, and the functional significance of this variant is currently unknown. In summary, the available evidence is currently insufficient to determine the role of this variant in disease. Therefore, it has been classified as a Variant of Uncertain Significance.

NM_016653.3(MAP3K20):c.874G>C (p.Glu292Gln)

Genes: MAP3K20 (mitogen-activated protein kinase kinase kinase 20; plus strand), MAP3K20-AS1 (MAP3K20 antisense RNA 1; minus strand). Cytogenetic location: 2q31.1.
Variant type: single nucleotide variant.
Coding change: c.874G>C on transcript NM_016653.3 (MANE Select); coding-DNA position 874, G replaced by C.
Protein change: p.Glu292Gln; replaces glutamic acid 292 with glutamine.
Molecular consequence: missense variant.
Genome position (GRCh38, 1-based): chr2:173,217,137, G>C. VCF-style: chr2-173217137-G-C. GRCh37 (hg19) VCF-style: chr2-174081865-G-C.
Other names: c.874G>C, p.Glu292Gln (NM_133646.3); short protein forms E292Q.
Identifiers: ClinVar variation 1406563 (VCV001406563.3), dbSNP rs772182075, ClinGen allele CA1970582.